The following is an entry in ClinVar:

ClinVar aggregate classification (germline): Pathogenic/Likely pathogenic. Review status: criteria provided, multiple submitters, no conflicts (2 of 4 stars). 7 submissions from 7 submitters: Pathogenic (2); Likely pathogenic (4). 1 of the submissions does not count toward it. Last evaluated 2025-12-13.

Conditions:
ATP7B-related disorder. Also called: ATP7B-related condition.
Wilson disease (WND). Also called: Wilson's disease. Identifiers: Orphanet 905, MedGen C0019202, MONDO:0010200, OMIM 277900. Disease mechanism: loss of function.

Allele frequency attached by ClinVar (database versions not stated): gnomAD exomes 0.00001.
gnomAD v4.1: 3 of 1,614,166 alleles (0.00019%); highest among the groups gnomAD compares: Non-Finnish European, 0.00025%; no homozygotes.

Submissions (7):

Labcorp Genetics (formerly Invitae), Labcorp
Classification: Pathogenic for Wilson disease. Last evaluated: 2025-12-13. Review status: criteria provided, single submitter. Criteria: Invitae Variant Classification Sherloc (09022015). Collection method: clinical testing. Allele origin: germline.
Comment: This sequence change replaces isoleucine, which is neutral and non-polar, with threonine, which is neutral and polar, at codon 857 of the ATP7B protein (p.Ile857Thr). This variant is not present in population databases (gnomAD no frequency). This missense change has been observed in individual(s) with Wilson disease (PMID: 8533760, 14974157, 17317524). This variant is also known as Ileu858Thr. ClinVar contains an entry for this variant (Variation ID: 377538). Invitae Evidence Modeling of protein sequence and biophysical properties (such as structural, functional, and spatial information, amino acid conservation, physicochemical variation, residue mobility, and thermodynamic stability) indicates that this missense variant is expected to disrupt ATP7B protein function with a positive predictive value of 80%. Experimental studies have shown that this missense change affects ATP7B function (PMID: 22240481). For these reasons, this variant has been classified as Pathogenic.

Color Diagnostics, LLC DBA Color Health
Classification: Likely pathogenic for Wilson disease. Last evaluated: 2025-05-30. Review status: criteria provided, single submitter. Criteria: ACMG Guidelines, 2015. Collection method: clinical testing. Allele origin: germline.
Comment: This missense variant replaces isoleucine with threonine at codon 857 of the ATP7B protein. This variant alters a conserved isoleucine residue in the A domain of the ATP7B protein involved in ATP hydrolysis, a highly conserved region that is considered to be important for ATP7B protein function (PMID: 35245129ClinVar). Computational prediction suggests that this variant may have deleterious impact on protein structure and function. A functional study has shown the mutant protein to exhibit partially decreased copper transport and hyperphosphorylation activity (PMID: 22240481). This variant has been observed in four individuals with Wilson disease (PMID: 8533760, 14974157, 17272994, 17317524), including one homozygous and one compound heterozygous individuals (PMID: 17272994, 17317524). This variant has not been identified in the general population by the Genome Aggregation Database (gnomAD). Based on the available evidence, this variant is classified as Likely Pathogenic.

Natera, Inc.
Classification: Likely pathogenic for Wilson disease. Last evaluated: 2025-01-23. Review status: criteria provided, single submitter. Criteria: Natera Variant Classification Schema (03/2026). Collection method: clinical testing. Allele origin: germline.
Comment: The c.2570T>C variant in ATP7B is a missense variant predicted to cause substitution of isoleucine to threonine at amino acid 857. This variant is rare in the general population with a frequency below the threshold expected for the associated phenotype(s). This variant has been observed in one or more individuals affected with the associated recessive disease, as either homozygous or compound heterozygous with a second variant (PMID: 17272994, 30232804, 17317524). This variant has been identified in one or more affected individuals with a phenotype highly consistent with the associated gene (PMID: 17272994, 30232804, 17317524). Computational prediction algorithms indicate this variant is likely to affect gene or protein function. Given the available evidence, this variant is classified as Likely Pathogenic.

Blueprint Genetics
Classification: Pathogenic for ATP7B-related disorders. Last evaluated: 2024-04-18. Review status: criteria provided, single submitter. Criteria: ACMG Guidelines, 2015. Collection method: clinical testing. Allele origin: germline. Affected: yes. Observed: 1 variant allele.

ARUP Laboratories, Molecular Genetics and Genomics, ARUP Laboratories
Classification: Likely pathogenic for Wilson disease. Last evaluated: 2019-04-05. Review status: criteria provided, single submitter. Criteria: ARUP Molecular Germline Variant Investigation Process. Collection method: clinical testing. Allele origin: germline.
Comment: The ATP7B c.2570T>C; p.Ile857Thr variant (rs1057520235) is reported in the literature in individuals with Wilson disease in both the homozygous and compound heterozygous states (Chappuis 2007, Figus 1995 (reported as Ileu858Thr), Ferenci 2007, Folhoffer 2007). Additionally, functional analyses show the variant protein has decreased copper transport (Huster 2012). This variant is reported as likely pathogenic in ClinVar (Variation ID: 377538). It is absent from general population databases (Exome Variant Server, Genome Aggregation Database), indicating it is not a common polymorphism. The isoleucine at codon 857 is highly conserved, and computational analyses (SIFT, PolyPhen-2) predict that this variant is deleterious. Based on available information, this variant is considered to be likely pathogenic. REFERENCES Chappuis P et al. Late neurological presentations of Wilson disease patients in French population and identification of 8 novel mutations in the ATP7B gene. J Trace Elem Med Biol. 2007;21(1):37-42. Figus A et al. Molecular pathology and haplotype analysis of Wilson disease in Mediterranean populations. Am J Hum Genet. 1995 Dec;57(6):1318-24. Ferenci P et al. Late-onset Wilson's disease. Gastroenterology. 2007 Apr;132(4):1294-8. Folhoffer A et al. Novel mutations of the ATP7B gene among 109 Hungarian patients with Wilson's disease. Eur J Gastroenterol Hepatol. 2007 Feb;19(2):105-11. Huster D et al. Diverse functional properties of Wilson disease ATP7B variants. Gastroenterology. 2012 Apr;142(4):947-956.e5.

GeneDx
Classification: Likely pathogenic. Last evaluated: 2018-06-29. Review status: criteria provided, single submitter. Criteria: GeneDx Variant Classification (06012015). Collection method: clinical testing. Allele origin: germline. Affected: yes.
Comment: The I857T variant in the ATP7B gene has been reported previously in the homozygous state or in the heterozygous state with a second ATP7B variant in at least four individuals with Wilson disease, two of whom were described as having onset of neurologic symptoms in adulthood (Figus et al., 1995; Chappuis et al., 2007; Folhoffer et al., 2007). Note that alternate nomenclature I858T was used by Figus et al. (1995). Functional studies of the I857T variant indicate that it results in reduced but not absent copper transport activity, resulting in less copper accumulation than some other ATP7B variants (Huster et al., 2012). The I857T variant was not observed in approximately 6300 individuals of European and African American ancestry in the NHLBI Exome Sequencing Project, indicating it is not a common benign variant in these populations. The I857T variant is a non-conservative amino acid substitution, which is likely to impact secondary protein structure as these residues differ in polarity, charge, size and/or other properties. This substitution occurs at a position that is well conserved across species. The I857T variant is a strong candidate for a pathogenic variant, however the possibility it may be a rare benign variant cannot be excluded.

Counsyl
Classification: Likely pathogenic for Wilson disease. Last evaluated: 2017-06-06. Review status: no assertion criteria provided. Collection method: clinical testing. Allele origin: unknown. Not counted in ClinVar's aggregate classification.

Literature cited by the submitters: PubMed 8533760 (cited by 3 submitters); PubMed 14974157 (cited by Labcorp Genetics (formerly Invitae), Labcorp and Color Diagnostics, LLC DBA Color Health); PubMed 17317524 (cited by 4 submitters); PubMed 22240481 (cited by 3 submitters); PubMed 17272994 (cited by 3 submitters); PubMed 35245129 (cited by Color Diagnostics, LLC DBA Color Health); PubMed 30232804 (cited by Natera, Inc.); PubMed 24253677 (cited by Counsyl); PubMed 22692182 (cited by Counsyl).

NM_000053.4(ATP7B):c.2570T>C (p.Ile857Thr)

Gene: ATP7B (ATPase copper transporting beta; minus strand). Cytogenetic location: 13q14.3.
Variant type: single nucleotide variant.
Coding change: c.2570T>C on transcript NM_000053.4 (MANE Select); coding-DNA position 2570, T replaced by C.
Protein change: p.Ile857Thr; replaces isoleucine 857 with threonine.
Molecular consequence: missense variant.
Genome position (GRCh38, 1-based): chr13:51,950,277, A>G on the plus strand (T>C on the coding strand, the complement: ATP7B is on the minus strand). VCF-style: chr13-51950277-A-G. GRCh37 (hg19) VCF-style: chr13-52524413-A-G.
Other names: c.2084T>C, p.Ile695Thr (NM_001005918.3); c.2237T>C, p.Ile746Thr (NM_001243182.2); c.2336T>C, p.Ile779Thr (NM_001330578.2); c.2318T>C, p.Ile773Thr (NM_001330579.2); short protein forms I857T, I695T, I746T, I773T, I779T.
Identifiers: ClinVar variation 377538 (VCV000377538.18), dbSNP rs1057520235, ClinGen allele CA16606473.
Genomic context (GRCh38, chr13:51,950,277, plus strand): 5'-GACCTGACAGCTGCTATGATATCCTCCTGAGGGAACATGAAACAAGCCATCTCACCTGTG[A>G]TGAGGGACTCATCAGCCATGGTATTGCCTTCCAGGACTTTCCCATCCACTGGAAACTTTC-3'
Protein context (NP_000044.2, residues 847-867): EGNTMADESL[Ile857Thr]TGEAMPVTKK